The following is an entry in ClinVar:

NM_001009925.2(TMEM230):c.233G>A (p.Arg78Gln)

Gene: TMEM230 (transmembrane protein 230; minus strand). Cytogenetic location: 20p12.3.
Variant type: single nucleotide variant.
Coding change: c.233G>A on transcript NM_001009925.2 (MANE Select); coding-DNA position 233, G replaced by A.
Protein change: p.Arg78Gln; replaces arginine 78 with glutamine.
Molecular consequence: missense variant. On other transcripts: intron variant (1).
Genome position (GRCh38, 1-based): chr20:5,100,921, C>T on the plus strand (G>A on the coding strand, the complement: TMEM230 is on the minus strand). VCF-style: chr20-5100921-C-T. GRCh37 (hg19) VCF-style: chr20-5081567-C-T.
Other names: c.233G>A, p.Arg78Gln (NM_001009924.2, NM_001330984.2, NM_001330985.2 and 3 more transcripts); c.222+5267G>A (NM_001330987.2); short protein forms R78Q.
Identifiers: ClinVar variation 3625491 (VCV003625491.2).

ClinVar aggregate classification (germline): Uncertain significance (1 of 4 stars; one submission).

Submission:

Labcorp Genetics (formerly Invitae), Labcorp
Classification: Uncertain significance. Last evaluated: 2024-11-26. Review status: criteria provided, single submitter. Criteria: Invitae Variant Classification Sherloc (09022015). Collection method: clinical testing. Allele origin: germline.
Comment: This sequence change replaces arginine, which is basic and polar, with glutamine, which is neutral and polar, at codon 141 of the TMEM230 protein (p.Arg141Gln). This variant is present in population databases (rs764786986, gnomAD 0.008%). This variant has not been reported in the literature in individuals affected with TMEM230-related conditions. An algorithm developed to predict the effect of missense changes on protein structure and function outputs the following: PolyPhen-2: "Benign". The glutamine amino acid residue is found in multiple mammalian species, which suggests that this missense change does not adversely affect protein function. This variant disrupts the p.Arg141 amino acid residue in TMEM230. Other variant(s) that disrupt this residue have been determined to be pathogenic (PMID: 27270108, 30460091). This suggests that this residue is clinically significant, and that variants that disrupt this residue are likely to be disease-causing. In summary, the available evidence is currently insufficient to determine the role of this variant in disease. Therefore, it has been classified as a Variant of Uncertain Significance.

Literature cited by the submitters: PubMed 27270108; PubMed 30460091.